The following is an entry in ClinVar:

NM_017755.6(NSUN2):c.2137G>A (p.Glu713Lys)

Gene: NSUN2 (NOP2/Sun RNA methyltransferase 2; minus strand). Cytogenetic location: 5p15.31.
Variant type: single nucleotide variant.
Coding change: c.2137G>A on transcript NM_017755.6 (MANE Select); coding-DNA position 2137, G replaced by A.
Protein change: p.Glu713Lys; replaces glutamic acid 713 with lysine.
Molecular consequence: missense variant. On other transcripts: non-coding transcript variant (1).
Genome position (GRCh38, 1-based): chr5:6,600,093, C>T on the plus strand (G>A on the coding strand, the complement: NSUN2 is on the minus strand). VCF-style: chr5-6600093-C-T. GRCh37 (hg19) VCF-style: chr5-6600206-C-T.
Other names: c.2032G>A, p.Glu678Lys (NM_001193455.2); short protein forms E678K, E713K.
Identifiers: ClinVar variation 917593 (VCV000917593.5), dbSNP rs200232369, ClinGen allele CA3192169.

ClinVar aggregate classification (germline): Uncertain significance. Review status: criteria provided, multiple submitters, no conflicts (2 of 4 stars). 3 submissions from 3 submitters: Uncertain significance (3). Last evaluated 2022-11-03.

Conditions:
Inborn genetic diseases. Identifiers: MedGen C0950123, MeSH D030342.

Allele frequency attached by ClinVar (database versions not stated): ExAC 0.00003; gnomAD exomes 0.00004; gnomAD 0.00008 and 0.00009; TOPMed 0.00013; 1000 Genomes Project 0.00040; 1000 Genomes Project 30x 0.00047.
gnomAD v4.1: 28 of 1,614,242 alleles (0.0017%); highest among the groups gnomAD compares: Admixed American, 0.028%; no homozygotes.

Submissions (3):

Labcorp Genetics (formerly Invitae), Labcorp
Classification: Uncertain significance. Last evaluated: 2022-11-03. Review status: criteria provided, single submitter. Criteria: Invitae Variant Classification Sherloc (09022015). Collection method: clinical testing. Allele origin: germline.
Comment: This sequence change replaces glutamic acid, which is acidic and polar, with lysine, which is basic and polar, at codon 713 of the NSUN2 protein (p.Glu713Lys). This variant is present in population databases (rs200232369, gnomAD 0.01%). This variant has not been reported in the literature in individuals affected with NSUN2-related conditions. ClinVar contains an entry for this variant (Variation ID: 917593). Advanced modeling of protein sequence and biophysical properties (such as structural, functional, and spatial information, amino acid conservation, physicochemical variation, residue mobility, and thermodynamic stability) performed at Invitae indicates that this missense variant is not expected to disrupt NSUN2 protein function. In summary, the available evidence is currently insufficient to determine the role of this variant in disease. Therefore, it has been classified as a Variant of Uncertain Significance.

Women's Health and Genetics/Laboratory Corporation of America, LabCorp
Classification: Uncertain significance. Last evaluated: 2020-01-28. Review status: criteria provided, single submitter. Criteria: LabCorp Variant Classification Summary - May 2015. Collection method: clinical testing. Allele origin: germline.
Comment: Variant summary: NSUN2 c.2137G>A (p.Glu713Lys) results in a conservative amino acid change in the encoded protein sequence. Four of five in-silico tools predict a benign effect of the variant on protein function. The variant allele was found at a frequency of 4e-05 in 251492 control chromosomes (gnomAD). To our knowledge, no occurrence of c.2137G>A in individuals affected with Mental retardation, autosomal recessive and no experimental evidence demonstrating its impact on protein function have been reported. No clinical diagnostic laboratories have submitted clinical-significance assessments for this variant to ClinVar after 2014. Based on the evidence outlined above, the variant was classified as uncertain significance.

Ambry Genetics
Classification: Uncertain significance for Inborn genetic diseases. Last evaluated: 2018-01-30. Review status: criteria provided, single submitter. Criteria: Ambry Variant Classification Scheme 2023. Collection method: clinical testing. Allele origin: germline.
Comment: The p.E713K variant (also known as c.2137G>A), located in coding exon 19 of the NSUN2 gene, results from a G to A substitution at nucleotide position 2137. The glutamic acid at codon 713 is replaced by lysine, an amino acid with similar properties. This amino acid position is not well conserved in available vertebrate species. In addition, this alteration is predicted to be tolerated by in silico analysis. Since supporting evidence is limited at this time, the clinical significance of this alteration remains unclear.